The following is an entry in ClinVar:

ClinVar aggregate classification (germline): Likely benign (1 of 4 stars; one submission).

Submission:

GeneDx
Classification: Likely benign. Last evaluated: 2017-06-29. Review status: criteria provided, single submitter. Criteria: GeneDx Variant Classification (06012015). Collection method: clinical testing. Allele origin: germline. Affected: yes.
Comment: This variant is considered likely benign or benign based on one or more of the following criteria: it is a conservative change, it occurs at a poorly conserved position in the protein, it is predicted to be benign by multiple in silico algorithms, and/or has population frequency not consistent with disease.

NM_000136.3(FANCC):c.251-11C>T

Gene: FANCC (FA complementation group C; minus strand). Cytogenetic location: 9q22.32.
Variant type: single nucleotide variant.
Coding change: c.251-11C>T on transcript NM_000136.3 (MANE Select); 11 bases into the intron before coding-DNA position 251, C replaced by T.
Molecular consequence: intron variant.
Genome position (GRCh38, 1-based): chr9:95,240,754, G>A on the plus strand (C>T on the coding strand, the complement: FANCC is on the minus strand). VCF-style: chr9-95240754-G-A. GRCh37 (hg19) VCF-style: chr9-98003036-G-A.
Other names: c.251-11C>T (NM_001243743.2, NM_001243744.2).
Identifiers: ClinVar variation 518211 (VCV000518211.1), dbSNP rs1554856148, ClinGen allele CA658797244.